The following is an entry in ClinVar:

NM_130384.3(ATRIP):c.472G>A (p.Glu158Lys)

Genes: ATRIP (ATR interacting protein; plus strand), ATRIP-TREX1 (ATRIP-TREX1 readthrough; plus strand). Cytogenetic location: 3p21.31.
Variant type: single nucleotide variant.
Coding change: c.472G>A on transcript NM_130384.3 (MANE Select); coding-DNA position 472, G replaced by A.
Protein change: p.Glu158Lys; replaces glutamic acid 158 with lysine.
Molecular consequence: missense variant. On other transcripts: non-coding transcript variant (1).
Genome position (GRCh38, 1-based): chr3:48,451,819, G>A. VCF-style: chr3-48451819-G-A. GRCh37 (hg19) VCF-style: chr3-48493225-G-A.
Other names: c.472G>A (NM_130384.1); c.91G>A, p.Glu31Lys (NM_001271022.2); c.193G>A, p.Glu65Lys (NM_001271023.2); c.472G>A, p.Glu158Lys (NM_032166.4); short protein forms E65K, E158K, E31K.
Identifiers: ClinVar variation 3684052 (VCV003684052.3).
Genomic context (GRCh38, chr3:48,451,819, plus strand): 5'-AAGAATGGAGAAATTAAAATTTTGCGAGACTCACTACATCAGACGGAATCCGTTCTAGAG[G>A]AACAGAGAAGATCACATTTTCTTCTTGAGCAAGAGAAAACCCAAGCACTCAGTGACAAGG-3'
Protein context (NP_569055.1, residues 148-168): SLHQTESVLE[Glu158Lys]QRRSHFLLEQ

ClinVar aggregate classification (germline): Uncertain significance. Review status: criteria provided, multiple submitters, no conflicts (2 of 4 stars). 2 submissions from 2 submitters: Uncertain significance (2). Last evaluated 2026-03-19.

Submissions (2):

Ambry Genetics
Classification: Uncertain significance. Last evaluated: 2026-03-19. Review status: criteria provided, single submitter. Criteria: Ambry Variant Classification Scheme 2023. Collection method: clinical testing. Allele origin: germline.
Comment: The p.E158K variant (also known as c.472G>A), located in coding exon 3 of the ATRIP gene, results from a G to A substitution at nucleotide position 472. The glutamic acid at codon 158 is replaced by lysine, an amino acid with similar properties. This amino acid position is conserved. In addition, the in silico prediction for this alteration is inconclusive. Based on the available evidence, the clinical significance of this variant remains unclear.

Labcorp Genetics (formerly Invitae), Labcorp
Classification: Uncertain significance. Last evaluated: 2024-11-30. Review status: criteria provided, single submitter. Criteria: Invitae Variant Classification Sherloc (09022015). Collection method: clinical testing. Allele origin: germline.
Comment: This sequence change replaces glutamic acid, which is acidic and polar, with lysine, which is basic and polar, at codon 158 of the ATRIP protein (p.Glu158Lys). This variant is not present in population databases (gnomAD no frequency). This variant has not been reported in the literature in individuals affected with ATRIP-related conditions. An algorithm developed to predict the effect of missense changes on protein structure and function (PolyPhen-2) suggests that this variant is likely to be disruptive. In summary, the available evidence is currently insufficient to determine the role of this variant in disease. Therefore, it has been classified as a Variant of Uncertain Significance.